The following is an entry in ClinVar:

NM_012309.5(SHANK2):c.3266G>A (p.Arg1089His)

Gene: SHANK2 (SH3 and multiple ankyrin repeat domains 2; minus strand). Cytogenetic location: 11q13.3.
Variant type: single nucleotide variant.
Coding change: c.3266G>A on transcript NM_012309.5 (MANE Select); coding-DNA position 3266, G replaced by A.
Protein change: p.Arg1089His; replaces arginine 1089 with histidine.
Molecular consequence: missense variant.
Genome position (GRCh38, 1-based): chr11:70,487,027, C>T on the plus strand (G>A on the coding strand, the complement: SHANK2 is on the minus strand). VCF-style: chr11-70487027-C-T. GRCh37 (hg19) VCF-style: chr11-70333132-C-T.
Other names: c.2129G>A, p.Arg710His (NM_001379226.1); c.1502G>A, p.Arg501His (NM_133266.5); short protein forms R1089H, R501H, R710H.
Identifiers: ClinVar variation 1336372 (VCV001336372.5), dbSNP rs781863842, ClinGen allele CA6161150.

ClinVar aggregate classification (germline): Uncertain significance. Review status: criteria provided, multiple submitters, no conflicts (2 of 4 stars). 2 submissions from 2 submitters: Uncertain significance (2). Last evaluated 2022-09-27.

Conditions:
Autism, susceptibility to, 17. Also called: Autism susceptibility 17. Identifiers: MedGen C3150693, MONDO:0013265, OMIM 613436.

Allele frequency attached by ClinVar (database versions not stated): gnomAD exomes below 0.00001; TOPMed below 0.00001; ExAC 0.00001.
gnomAD v4.1: 5 of 1,609,214 alleles (0.00031%); highest among the groups gnomAD compares: Non-Finnish European, 0.00042%; no homozygotes.

Submissions (2):

Johns Hopkins Genomics, Johns Hopkins University
Classification: Uncertain significance for Autism, susceptibility to, 17. Last evaluated: 2022-09-27. Review status: criteria provided, single submitter. Criteria: ACMG Guidelines, 2015. Collection method: clinical testing. Allele origin: germline.
Comment: This SHANK2 variant (rs781863842) is rare (<0.1%) in a large population dataset6 (gnomAD: 1/241130 total alleles; 0.0004%; no homozygotes) and has been reported in ClinVar. Two bioinformatic tools queried predict that this substitution would be damaging, and the arginine residue at this position is strongly conserved across the vertebrate species assessed. Bioinformatic analysis predicts that this missense variant would not affect normal exon 25 splicing, although this has not been confirmed experimentally to our knowledge. We consider the clinical significance of c.3266G>A (p.Arg1089His) to be uncertain at this time.

Genetic Services Laboratory, University of Chicago
Classification: Uncertain significance. Last evaluated: 2018-04-13. Review status: criteria provided, single submitter. Criteria: ACMG Guidelines, 2015. Collection method: clinical testing. Allele origin: germline. Affected: no.

Literature cited by the submitters: PubMed 25560758 (cited by Johns Hopkins Genomics, Johns Hopkins University); PubMed 27001614 (cited by Johns Hopkins Genomics, Johns Hopkins University); PubMed 29991577 (cited by Johns Hopkins Genomics, Johns Hopkins University).